The following is an entry in ClinVar:

NM_001039141.3(TRIOBP):c.3466G>A (p.Glu1156Lys)

Gene: TRIOBP (TRIO and F-actin binding protein; plus strand). Cytogenetic location: 22q13.1.
Variant type: single nucleotide variant.
Coding change: c.3466G>A on transcript NM_001039141.3 (MANE Select); coding-DNA position 3466, G replaced by A.
Protein change: p.Glu1156Lys; replaces glutamic acid 1156 with lysine.
Molecular consequence: missense variant.
Genome position (GRCh38, 1-based): chr22:37,726,022, G>A. VCF-style: chr22-37726022-G-A. GRCh37 (hg19) VCF-style: chr22-38122029-G-A.
Other names: short protein forms E1156K.
Identifiers: ClinVar variation 1343034 (VCV001343034.2), dbSNP rs759911435, ClinGen allele CA10224134.

ClinVar aggregate classification (germline): Uncertain significance (1 of 4 stars; one submission).

Allele frequency attached by ClinVar (database versions not stated): ExAC 0.00001; gnomAD exomes 0.00001.

Submission:

GeneDx
Classification: Uncertain significance. Last evaluated: 2022-03-02. Review status: criteria provided, single submitter. Criteria: GeneDx Variant Classification Process June 2021. Collection method: clinical testing. Allele origin: germline. Affected: yes.
Comment: Not observed at significant frequency in large population cohorts (gnomAD); In silico analysis supports that this missense variant does not alter protein structure/function; Has not been previously published as pathogenic or benign to our knowledge